The following is an entry in ClinVar:

ClinVar aggregate classification (germline): Uncertain significance (1 of 4 stars; one submission).

Conditions:
Dyskeratosis congenita, autosomal dominant 6 (DKCA6). Identifiers: Orphanet 3322, MedGen C4225284, MONDO:0014690, OMIM 616553.

Allele frequency attached by ClinVar (database versions not stated): gnomAD exomes below 0.00001.
gnomAD v4.1: 1 of 1,613,998 alleles (0.000062%); highest among the groups gnomAD compares: Non-Finnish European, 0.000085%; no homozygotes.

Submission:

Labcorp Genetics (formerly Invitae), Labcorp
Classification: Uncertain significance for Dyskeratosis congenita, autosomal dominant 6. Last evaluated: 2021-02-02. Review status: criteria provided, single submitter. Criteria: Invitae Variant Classification Sherloc (09022015). Collection method: clinical testing. Allele origin: germline.
Comment: This sequence change creates a premature translational stop signal (p.Leu228*) in the ACD gene. It is expected to result in an absent or disrupted protein product. However, the current clinical and genetic evidence is not sufficient to establish whether loss-of-function variants in ACD cause disease. This variant is not present in population databases (ExAC no frequency). This variant has not been reported in the literature in individuals with ACD-related conditions. In summary, the available evidence is currently insufficient to determine the role of this variant in disease. Therefore, it has been classified as a Variant of Uncertain Significance.

NM_001082486.2(ACD):c.425T>G (p.Leu142Ter)

Gene: ACD (ACD shelterin complex subunit and telomerase recruitment factor; minus strand). Cytogenetic location: 16q22.1.
Variant type: single nucleotide variant.
Coding change: c.425T>G on transcript NM_001082486.2 (MANE Select); coding-DNA position 425, T replaced by G.
Protein change: p.Leu142Ter; replaces leucine 142 with a stop codon.
Molecular consequence: nonsense.
Genome position (GRCh38, 1-based): chr16:67,659,408, A>C on the plus strand (T>G on the coding strand, the complement: ACD is on the minus strand). VCF-style: chr16-67659408-A-C. GRCh37 (hg19) VCF-style: chr16-67693311-A-C.
Other names: c.416T>G, p.Leu139Ter (NM_022914.3); short protein forms L139*, L142*.
Identifiers: ClinVar variation 1506995 (VCV001506995.6), dbSNP rs2142973399, ClinGen allele CA396354937.